The following is an entry in ClinVar:

NM_033305.3(VPS13A):c.505C>T (p.Arg169Trp)

Gene: VPS13A (vacuolar protein sorting 13 homolog A; plus strand). Cytogenetic location: 9q21.2.
Variant type: single nucleotide variant.
Coding change: c.505C>T on transcript NM_033305.3 (MANE Select); coding-DNA position 505, C replaced by T.
Protein change: p.Arg169Trp; replaces arginine 169 with tryptophan.
Molecular consequence: missense variant.
Genome position (GRCh38, 1-based): chr9:77,210,625, C>T. VCF-style: chr9-77210625-C-T. GRCh37 (hg19) VCF-style: chr9-79825541-C-T.
Other names: c.505C>T, p.Arg169Trp (NM_001018037.2, NM_001018038.3, NM_015186.4); short protein forms R169W.
Identifiers: ClinVar variation 1208366 (VCV001208366.8), dbSNP rs139380985, ClinGen allele CA5091368.

ClinVar aggregate classification (germline): Uncertain significance. Review status: criteria provided, multiple submitters, no conflicts (2 of 4 stars). 5 submissions from 5 submitters: Uncertain significance (4). 1 of the submissions does not count toward it. Last evaluated 2023-12-18.

Conditions:
Inborn genetic diseases. Identifiers: MedGen C0950123, MeSH D030342.
VPS13A-related neurodegenerative disease. Also called: VPS13A Disease; LEVINE-CRITCHLEY SYNDROME; Choreaacanthocytosis; ACANTHOCYTOSIS WITH NEUROLOGIC DISORDER; Choreoacanthocytosis; Chorea-acanthocytosis. Identifiers: Orphanet 2388, MedGen C0393576, MONDO:0008695, OMIM 200150.

Allele frequency attached by ClinVar (database versions not stated): ESP Exome Variant Server 0.00008; TOPMed 0.00009.
gnomAD v4.1: 203 of 1,613,548 alleles (0.013%); highest among the groups gnomAD compares: Non-Finnish European, 0.014%; no homozygotes.

Submissions (5):

Blueprint Genetics
Classification: Uncertain significance. Last evaluated: 2023-12-18. Review status: criteria provided, single submitter. Criteria: ACMG Guidelines, 2015. Collection method: clinical testing. Allele origin: germline.

Ambry Genetics
Classification: Uncertain significance for Inborn genetic diseases. Last evaluated: 2022-10-04. Review status: criteria provided, single submitter. Criteria: Ambry Variant Classification Scheme 2023. Collection method: clinical testing. Allele origin: germline.

Labcorp Genetics (formerly Invitae), Labcorp
Classification: Uncertain significance. Last evaluated: 2022-07-13. Review status: criteria provided, single submitter. Criteria: Invitae Variant Classification Sherloc (09022015). Collection method: clinical testing. Allele origin: germline.
Comment: This sequence change replaces arginine, which is basic and polar, with tryptophan, which is neutral and slightly polar, at codon 169 of the VPS13A protein (p.Arg169Trp). This variant is present in population databases (rs139380985, gnomAD 0.02%). This variant has not been reported in the literature in individuals affected with VPS13A-related conditions. ClinVar contains an entry for this variant (Variation ID: 1208366). Algorithms developed to predict the effect of missense changes on protein structure and function are either unavailable or do not agree on the potential impact of this missense change (SIFT: "Deleterious"; PolyPhen-2: "Possibly Damaging"; Align-GVGD: "Class C0"). In summary, the available evidence is currently insufficient to determine the role of this variant in disease. Therefore, it has been classified as a Variant of Uncertain Significance.

GeneDx
Classification: Uncertain significance. Last evaluated: 2019-10-06. Review status: criteria provided, single submitter. Criteria: GeneDx Variant Classification Process June 2021. Collection method: clinical testing. Allele origin: germline. Affected: yes.
Comment: Not observed at a significant frequency in large population cohorts (Lek et al., 2016); In silico analysis, which includes protein predictors and evolutionary conservation, supports a deleterious effect; Has not been previously published as pathogenic or benign to our knowledge

Natera, Inc.
Classification: Uncertain significance for Choreaacanthocytosis. Last evaluated: 2020-01-24. Review status: no assertion criteria provided. Collection method: clinical testing. Allele origin: germline. Not counted in ClinVar's aggregate classification.